The following is an entry in ClinVar:

ClinVar aggregate classification (germline): Likely benign. Review status: criteria provided, multiple submitters, no conflicts (2 of 4 stars). 3 submissions from 3 submitters: Likely benign (3). Last evaluated 2026-04-14.

Conditions:
Familial intrahepatic cholestasis. Identifiers: Orphanet 284385, MedGen CN296401, MONDO:0017290.

Allele frequency attached by ClinVar (database versions not stated): TOPMed 0.00001; gnomAD 0.00002; gnomAD exomes 0.00002; ExAC 0.00003.
gnomAD v4.1: 25 of 1,613,734 alleles (0.0015%); highest among the groups gnomAD compares: Non-Finnish European, 0.0021%; no homozygotes.

Submissions (3):

Genomenon, Inc
Classification: Likely benign for Familial intrahepatic cholestasis. Last evaluated: 2026-04-14. Review status: criteria provided, single submitter. Criteria: Genomenon Sequence Variant Interpretation Standards - Updated. Collection method: curation. Allele origin: germline. Affected: no.
Comment: ATP8B1 c.3432C>T is a synonymous variant that retains Tyrosine at residue 1144. This variant has been reported in the published literature (PMID:28733223). It is absent or not present at a significant frequency in gnomAD. This synonymous variant is not predicted to impact splicing. In conclusion, we classify ATP8B1 p.Tyr1144= (c.3432C>T) as a likely benign variant.

Labcorp Genetics (formerly Invitae), Labcorp
Classification: Likely benign. Last evaluated: 2025-11-15. Review status: criteria provided, single submitter. Criteria: Invitae Variant Classification Sherloc (09022015). Collection method: clinical testing. Allele origin: germline.

Blueprint Genetics
Classification: Likely benign. Last evaluated: 2023-09-27. Review status: criteria provided, single submitter. Criteria: ACMG Guidelines, 2015. Collection method: clinical testing. Allele origin: germline.

Literature cited by the submitters: PubMed 28733223 (cited by Genomenon, Inc).

NM_001374385.1(ATP8B1):c.3432C>T (p.Tyr1144=)

Genes: ATP8B1 (ATPase phospholipid transporting 8B1; minus strand), ATP8B1-AS1 (ATP8B1 antisense RNA 1; plus strand). Cytogenetic location: 18q21.31.
Variant type: single nucleotide variant.
Coding change: c.3432C>T on transcript NM_001374385.1 (MANE Select); coding-DNA position 3432, C replaced by T.
Protein change: p.Tyr1144=; no amino-acid change (tyrosine 1144 retained).
Molecular consequence: synonymous variant.
Genome position (GRCh38, 1-based): chr18:57,650,466, G>A on the plus strand (C>T on the coding strand, the complement: ATP8B1 is on the minus strand). VCF-style: chr18-57650466-G-A. GRCh37 (hg19) VCF-style: chr18-55317698-G-A.
Other names: c.3282C>T, p.Tyr1094= (NM_001374386.1); c.3432C>T, p.Tyr1144= (NM_005603.6).
Identifiers: ClinVar variation 2963793 (VCV002963793.5), dbSNP rs767185371, ClinGen allele CA8974009.